The following is an entry in ClinVar:

NM_015910.7(WDPCP):c.868C>T (p.Arg290Cys)

Gene: WDPCP (WD repeat containing planar cell polarity effector; minus strand). Cytogenetic location: 2p15.
Variant type: single nucleotide variant.
Coding change: c.868C>T on transcript NM_015910.7 (MANE Select); coding-DNA position 868, C replaced by T.
Protein change: p.Arg290Cys; replaces arginine 290 with cysteine.
Molecular consequence: missense variant. On other transcripts: non-coding transcript variant (3).
Genome position (GRCh38, 1-based): chr2:63,404,615, G>A on the plus strand (C>T on the coding strand, the complement: WDPCP is on the minus strand). VCF-style: chr2-63404615-G-A. GRCh37 (hg19) VCF-style: chr2-63631750-G-A.
Other names: c.391C>T, p.Arg131Cys (NM_001042692.3); c.796C>T, p.Arg266Cys (NM_001354044.2); c.868C>T, p.Arg290Cys (NM_001354045.2); short protein forms R290C, R266C, R131C.
Identifiers: ClinVar variation 695798 (VCV000695798.18), dbSNP rs374934704, ClinGen allele CA1682318.

ClinVar aggregate classification (germline): Conflicting classifications of pathogenicity. Review status: criteria provided, conflicting classifications (1 of 4 stars). 5 submissions from 5 submitters: Uncertain significance (1); Likely benign (3). 1 of the submissions does not count toward it. Last evaluated 2026-01-12.

Conditions:
Bardet-Biedl syndrome (BBS). Identifiers: Orphanet 110, MedGen C0752166, MONDO:0015229.
Bardet-Biedl syndrome 15 (BBS15). Identifiers: Orphanet 110, MedGen C3150127, MONDO:0014443, OMIM 615992.
WDPCP-related disorder. Also called: WDPCP-related condition.
Inborn genetic diseases. Identifiers: MedGen C0950123, MeSH D030342.

Allele frequency attached by ClinVar (database versions not stated): ESP Exome Variant Server 0.00008; TOPMed 0.00008; gnomAD 0.00010 and 0.00011; 1000 Genomes Project 30x 0.00016; 1000 Genomes Project 0.00020; gnomAD exomes 0.00020 and 0.00030; ExAC 0.00037.
gnomAD v4.1: 318 of 1,614,046 alleles (0.02%); highest among the groups gnomAD compares: Middle Eastern, 0.21%; 4 homozygotes.

Submissions (5):

Labcorp Genetics (formerly Invitae), Labcorp
Classification: Likely benign for Bardet-Biedl syndrome. Last evaluated: 2026-01-12. Review status: criteria provided, single submitter. Criteria: Invitae Variant Classification Sherloc (09022015). Collection method: clinical testing. Allele origin: germline.

Ambry Genetics
Classification: Likely benign for Inborn genetic diseases. Last evaluated: 2025-08-30. Review status: criteria provided, single submitter. Criteria: Ambry Variant Classification Scheme 2023. Collection method: clinical testing. Allele origin: germline.

Blueprint Genetics
Classification: Likely benign. Last evaluated: 2024-05-23. Review status: criteria provided, single submitter. Criteria: ACMG Guidelines, 2015. Collection method: clinical testing. Allele origin: germline.

Illumina Laboratory Services, Illumina
Classification: Uncertain significance for Bardet-Biedl syndrome 15. Last evaluated: 2018-01-12. Review status: criteria provided, single submitter. Criteria: ICSL Variant Classification Criteria 13 December 2019. Collection method: clinical testing. Allele origin: germline.

PreventionGenetics, part of Exact Sciences
Classification: Likely benign for WDPCP-related condition. Last evaluated: 2022-06-24. Review status: no assertion criteria provided. Collection method: clinical testing. Allele origin: germline. Not counted in ClinVar's aggregate classification.
Comment: This variant is classified as likely benign based on ACMG/AMP sequence variant interpretation guidelines (Richards et al. 2015 PMID: 25741868, with internal and published modifications).